The following is an entry in ClinVar:

NM_133259.4(LRPPRC):c.124G>A (p.Ala42Thr)

Gene: LRPPRC (leucine rich pentatricopeptide repeat containing; minus strand). Cytogenetic location: 2p21.
Variant type: single nucleotide variant.
Coding change: c.124G>A on transcript NM_133259.4 (MANE Select); coding-DNA position 124, G replaced by A.
Protein change: p.Ala42Thr; replaces alanine 42 with threonine.
Molecular consequence: missense variant.
Genome position (GRCh38, 1-based): chr2:43,995,824, C>T on the plus strand (G>A on the coding strand, the complement: LRPPRC is on the minus strand). VCF-style: chr2-43995824-C-T. GRCh37 (hg19) VCF-style: chr2-44222963-C-T.
Other names: short protein forms A42T.
Identifiers: ClinVar variation 1698664 (VCV001698664.1), dbSNP rs752575254, ClinGen allele CA1639463.

ClinVar aggregate classification (germline): Uncertain significance (1 of 4 stars; one submission).

Allele frequency attached by ClinVar (database versions not stated): gnomAD 0.00003 and 0.00005; TOPMed 0.00008; 1000 Genomes Project 30x 0.00016; ExAC 0.00187.
gnomAD v4.1: 21 of 1,414,696 alleles (0.0015%); highest among the groups gnomAD compares: East Asian, 0.058%; no homozygotes.

Submission:

Women's Health and Genetics/Laboratory Corporation of America, LabCorp
Classification: Uncertain significance. Last evaluated: 2022-06-29. Review status: criteria provided, single submitter. Criteria: LabCorp Variant Classification Summary - May 2015. Collection method: clinical testing. Allele origin: germline.
Comment: Variant summary: LRPPRC c.124G>A (p.Ala42Thr) results in a non-conservative amino acid change in the encoded protein sequence. Four of five in-silico tools predict a benign effect of the variant on protein function. The variant allele was found at a frequency of 0.00012 in 57198 control chromosomes (gnomAD). The available data on variant occurrences in the general population are insufficient to allow any conclusion about variant significance. To our knowledge, no occurrence of c.124G>A in individuals affected with Leigh Syndrome, French-Canadian Type and no experimental evidence demonstrating its impact on protein function have been reported. No clinical diagnostic laboratories have submitted clinical-significance assessments for this variant to ClinVar after 2014. Based on the evidence outlined above, the variant was classified as uncertain significance.